The following is an entry in ClinVar:

NM_005726.6(TSFM):c.118C>G (p.Leu40Val)

Gene: TSFM (Ts translation elongation factor, mitochondrial; plus strand). Cytogenetic location: 12q14.1.
Variant type: single nucleotide variant.
Coding change: c.118C>G on transcript NM_005726.6 (MANE Select); coding-DNA position 118, C replaced by G.
Protein change: p.Leu40Val; replaces leucine 40 with valine.
Molecular consequence: missense variant.
Genome position (GRCh38, 1-based): chr12:57,783,170, C>G. VCF-style: chr12-57783170-C-G. GRCh37 (hg19) VCF-style: chr12-58176953-C-G.
Other names: c.118C>G, p.Leu40Val (NM_001172695.2, NM_001172696.2, NM_001172697.2); short protein forms L40V.
Identifiers: ClinVar variation 1945004 (VCV001945004.5), dbSNP rs958670795, ClinGen allele CA237827953.
Genomic context (GRCh38, chr12:57,783,170, plus strand): 5'-GCTGGGTCTCTTCTGCGTCAGTCGCCCCAGCCAAGGCACACATTTTATGCTGGGCCCCGT[C>G]TGTCTGCCTCGGCCTCCAGCAAGGAGCTCCTCATGAAGCTGCGGCGGAAAACAGGCTACT-3'
Protein context (NP_005717.3, residues 30-50): PRHTFYAGPR[Leu40Val]SASASSKELL

ClinVar aggregate classification (germline): Uncertain significance. Review status: criteria provided, multiple submitters, no conflicts (2 of 4 stars). 2 submissions from 2 submitters: Uncertain significance (2). Last evaluated 2026-01-19.

Conditions:
Inborn genetic diseases. Identifiers: MedGen C0950123, MeSH D030342.

Allele frequency attached by ClinVar (database versions not stated): gnomAD 0.00001; gnomAD exomes 0.00001; TOPMed 0.00002.

Submissions (2):

Labcorp Genetics (formerly Invitae), Labcorp
Classification: Uncertain significance. Last evaluated: 2026-01-19. Review status: criteria provided, single submitter. Criteria: Invitae Variant Classification Sherloc (09022015). Collection method: clinical testing. Allele origin: germline.
Comment: This sequence change replaces leucine, which is neutral and non-polar, with valine, which is neutral and non-polar, at codon 40 of the TSFM protein (p.Leu40Val). This variant is present in population databases (no rsID available, gnomAD 0.01%). This variant has not been reported in the literature in individuals affected with TSFM-related conditions. ClinVar contains an entry for this variant (Variation ID: 1945004). An algorithm developed to predict the effect of missense changes on protein structure and function (PolyPhen-2) suggests that this variant is likely to be tolerated. In summary, the available evidence is currently insufficient to determine the role of this variant in disease. Therefore, it has been classified as a Variant of Uncertain Significance.

Ambry Genetics
Classification: Uncertain significance for Inborn genetic diseases. Last evaluated: 2021-05-10. Review status: criteria provided, single submitter. Criteria: Ambry Variant Classification Scheme 2023. Collection method: clinical testing. Allele origin: germline.